The following is an entry in ClinVar:

ClinVar aggregate classification (germline): Benign. Review status: criteria provided, multiple submitters, no conflicts (2 of 4 stars). 4 submissions from 4 submitters: Benign (4). Last evaluated 2021-04-19.

Conditions:
Hypogonadotropic hypogonadism 6 with or without anosmia (HH6). Also called: FGF8-Related GnRH Deficiency (Kallmann Syndrome 6); HYPOGONADOTROPIC HYPOGONADISM 6 WITHOUT ANOSMIA; HYPOGONADOTROPIC HYPOGONADISM 6 WITH ANOSMIA. Identifiers: Orphanet 478, MedGen C3552574, MONDO:0012988, OMIM 612702.

Allele frequency attached by ClinVar (database versions not stated): 1000 Genomes Project 0.01997; 1000 Genomes Project 30x 0.01952; TOPMed 0.02869.

Submissions (4):

ARUP Laboratories, Molecular Genetics and Genomics, ARUP Laboratories
Classification: Benign for Hypogonadotropic hypogonadism 6 with or without anosmia. Last evaluated: 2021-04-19. Review status: criteria provided, single submitter. Criteria: ARUP Molecular Germline Variant Investigation Process 2021. Collection method: clinical testing. Allele origin: germline.

GeneDx
Classification: Benign. Last evaluated: 2018-07-09. Review status: criteria provided, single submitter. Criteria: GeneDx Variant Classification Process June 2021. Collection method: clinical testing. Allele origin: germline. Affected: yes.
Comment: This variant is associated with the following publications: (PMID: 17264867)

Genomic Diagnostic Laboratory, Division of Genomic Diagnostics, Children's Hospital of Philadelphia
Classification: Benign. Last evaluated: 2015-06-25. Review status: criteria provided, single submitter. Criteria: DGD Variant Analysis Guidelines. Collection method: clinical testing. Allele origin: unknown.

Breakthrough Genomics
Classification: Benign. Review status: criteria provided, single submitter. Criteria: ACMG Guidelines, 2015. Collection method: not provided. Allele origin: germline. Inheritance: Autosomal dominant inheritance. Affected: yes.

NM_033163.5(FGF8):c.445-62G>A

Gene: FGF8 (fibroblast growth factor 8; minus strand). Cytogenetic location: 10q24.32.
Variant type: single nucleotide variant.
Coding change: c.445-62G>A on transcript NM_033163.5 (MANE Select); 62 bases into the intron before coding-DNA position 445, G replaced by A.
Molecular consequence: intron variant.
Genome position (GRCh38, 1-based): chr10:101,770,681, C>T on the plus strand (G>A on the coding strand, the complement: FGF8 is on the minus strand). VCF-style: chr10-101770681-C-T. GRCh37 (hg19) VCF-style: chr10-103530438-C-T.
Other names: c.133-62G>A (NM_001206389.2); c.325-62G>A (NM_033165.5); c.358-62G>A (NM_006119.6); c.412-62G>A (NM_033164.4).
Identifiers: ClinVar variation 218825 (VCV000218825.14), dbSNP rs3218238, ClinGen allele CA249135.